The following is an entry in ClinVar:

ClinVar aggregate classification (germline): Uncertain significance. Review status: criteria provided, multiple submitters, no conflicts (2 of 4 stars). 2 submissions from 2 submitters: Uncertain significance (2). Last evaluated 2024-12-16.

Allele frequency attached by ClinVar (database versions not stated): gnomAD below 0.00001 and 0.00005; TOPMed 0.00002; gnomAD exomes 0.00011 and 0.00022; ExAC 0.00024; 1000 Genomes Project 0.00080; 1000 Genomes Project 30x 0.00109.
gnomAD v4.1: 168 of 1,613,992 alleles (0.01%); highest among the groups gnomAD compares: South Asian, 0.17%; 2 homozygotes.

Submissions (2):

Labcorp Genetics (formerly Invitae), Labcorp
Classification: Uncertain significance. Last evaluated: 2024-12-16. Review status: criteria provided, single submitter. Criteria: Invitae Variant Classification Sherloc (09022015). Collection method: clinical testing. Allele origin: germline.
Comment: This sequence change creates a premature translational stop signal (p.Gln701*) in the AGBL5 gene. However, it is currently unclear if variants that occur in this region of the gene cause disease. This variant is present in population databases (rs548149344, gnomAD 0.2%). This variant has not been reported in the literature in individuals affected with AGBL5-related conditions. ClinVar contains an entry for this variant (Variation ID: 962051). In summary, the available evidence is currently insufficient to determine the role of this variant in disease. Therefore, it has been classified as a Variant of Uncertain Significance.

Blueprint Genetics
Classification: Uncertain significance. Last evaluated: 2024-07-08. Review status: criteria provided, single submitter. Criteria: ACMG Guidelines, 2015. Collection method: clinical testing. Allele origin: germline.

NM_021831.6(AGBL5):c.2101C>T (p.Gln701Ter)

Gene: AGBL5 (AGBL carboxypeptidase 5; plus strand). Cytogenetic location: 2p23.3.
Variant type: single nucleotide variant.
Coding change: c.2101C>T on transcript NM_021831.6 (MANE Select); coding-DNA position 2101, C replaced by T.
Protein change: p.Gln701Ter; replaces glutamine 701 with a stop codon.
Molecular consequence: nonsense. On other transcripts: non-coding transcript variant (2).
Genome position (GRCh38, 1-based): chr2:27,067,505, C>T. VCF-style: chr2-27067505-C-T. GRCh37 (hg19) VCF-style: chr2-27290373-C-T.
Other names: short protein forms Q701*.
Identifiers: ClinVar variation 962051 (VCV000962051.11), dbSNP rs548149344, ClinGen allele CA1568095.